The following is an entry in ClinVar:

NM_000535.7(PMS2):c.507C>A (p.Arg169=)

Gene: PMS2 (PMS1 homolog 2, mismatch repair system component; minus strand). Cytogenetic location: 7p22.1.
Variant type: single nucleotide variant.
Coding change: c.507C>A on transcript NM_000535.7 (MANE Select); coding-DNA position 507, C replaced by A.
Protein change: p.Arg169=; no amino-acid change (arginine 169 retained).
Molecular consequence: synonymous variant. On other transcripts: 5 prime UTR variant (2), non-coding transcript variant (1), intron variant (1).
Genome position (GRCh38, 1-based): chr7:6,002,483, G>T on the plus strand (C>A on the coding strand, the complement: PMS2 is on the minus strand). VCF-style: chr7-6002483-G-T. GRCh37 (hg19) VCF-style: chr7-6042114-G-T.
Other names: c.102C>A, p.Arg34= (NM_001322003.2, NM_001322004.2, NM_001322005.2 and 24 more transcripts); c.507C>A, p.Arg169= (NM_001322006.2, NM_001322014.2, NM_001406869.1 and 8 more transcripts); c.189C>A, p.Arg63= (NM_001322007.2, NM_001322008.2, NM_001406876.1 and 4 more transcripts); c.-378C>A (NM_001322011.2, NM_001322012.2); c.198C>A, p.Arg66= (NM_001322015.2, NM_001406875.1, NM_001406877.1 and 6 more transcripts); c.693C>A, p.Arg231= (NM_001406866.1); c.531C>A, p.Arg177= (NM_001406868.1); c.250+1489C>A (NM_001406885.1).
Identifiers: ClinVar variation 3903956 (VCV003903956.1).

ClinVar aggregate classification (germline): Benign (1 of 4 stars; one submission).

Conditions:
Lynch syndrome 4 (LYNCH4). Also called: Colorectal cancer, hereditary nonpolyposis, type 4; Hereditary non-polyposis colorectal cancer, type 4. Identifiers: Orphanet 144, MedGen C1838333, MONDO:0013699, OMIM 614337. Disease mechanism: loss of function.

Submission:

Myriad Genetics, Inc.
Classification: Benign for Lynch syndrome 4. Last evaluated: 2025-01-27. Review status: criteria provided, single submitter. Criteria: Myriad Autosomal Dominant, Autosomal Recessive and X-Linked Classification Criteria (2023). Collection method: clinical testing. Allele origin: unknown.
Comment: This variant is considered benign. This variant is a silent/synonymous amino acid change and it is not expected to impact splicing.